The following is an entry in ClinVar:

NM_001220.5(CAMK2B):c.986C>T (p.Ala329Val)

Gene: CAMK2B (calcium/calmodulin dependent protein kinase II beta; minus strand). Cytogenetic location: 7p13.
Variant type: single nucleotide variant.
Coding change: c.986C>T on transcript NM_001220.5 (MANE Select); coding-DNA position 986, C replaced by T.
Protein change: p.Ala329Val; replaces alanine 329 with valine.
Molecular consequence: missense variant. On other transcripts: intron variant (5).
Genome position (GRCh38, 1-based): chr7:44,239,624, G>A on the plus strand (C>T on the coding strand, the complement: CAMK2B is on the minus strand). VCF-style: chr7-44239624-G-A. GRCh37 (hg19) VCF-style: chr7-44279223-G-A.
Other names: c.986C>T, p.Ala329Val (NM_001293170.2, NM_172078.3, NM_172082.3); c.946+1083C>T (NM_172084.3, NM_172080.3, NM_172083.3 and 2 more transcripts); short protein forms A329V.
Identifiers: ClinVar variation 1524044 (VCV001524044.8), dbSNP rs1394172840, ClinGen allele CA367362271.

ClinVar aggregate classification (germline): Uncertain significance (1 of 4 stars; one submission).

Allele frequency attached by ClinVar (database versions not stated): gnomAD exomes 0.00001; TOPMed 0.00001.
gnomAD v4.1: 7 of 1,550,398 alleles (0.00045%); highest among the groups gnomAD compares: Non-Finnish European, 0.00052%; no homozygotes.

Submission:

Labcorp Genetics (formerly Invitae), Labcorp
Classification: Uncertain significance. Last evaluated: 2024-03-13. Review status: criteria provided, single submitter. Criteria: Invitae Variant Classification Sherloc (09022015). Collection method: clinical testing. Allele origin: germline.
Comment: This sequence change replaces alanine, which is neutral and non-polar, with valine, which is neutral and non-polar, at codon 329 of the CAMK2B protein (p.Ala329Val). The frequency data for this variant in the population databases is considered unreliable, as metrics indicate poor data quality at this position in the gnomAD database. This variant has not been reported in the literature in individuals affected with CAMK2B-related conditions. ClinVar contains an entry for this variant (Variation ID: 1524044). An algorithm developed to predict the effect of missense changes on protein structure and function (PolyPhen-2) suggests that this variant is likely to be disruptive. In summary, the available evidence is currently insufficient to determine the role of this variant in disease. Therefore, it has been classified as a Variant of Uncertain Significance.